The following is an entry in ClinVar:

ClinVar aggregate classification (germline): Likely benign. Review status: criteria provided, multiple submitters, no conflicts (2 of 4 stars). 3 submissions from 3 submitters: Likely benign (3). Last evaluated 2025-05-28.

Conditions:
Long QT syndrome (LQTS). Identifiers: MedGen C0023976, MeSH D008133, MONDO:0002442. Disease mechanism: loss of function. Inheritance: Various modes of inheritance.
Cardiovascular phenotype. Identifiers: MedGen CN230736.

Allele frequency attached by ClinVar (database versions not stated): ExAC 0.00001; gnomAD 0.00001; gnomAD exomes 0.00001; TOPMed 0.00001.
gnomAD v4.1: 10 of 1,613,658 alleles (0.00062%); highest among the groups gnomAD compares: East Asian, 0.0067%; no homozygotes.

Submissions (3):

Labcorp Genetics (formerly Invitae), Labcorp
Classification: Likely benign for Long QT syndrome. Last evaluated: 2025-05-28. Review status: criteria provided, single submitter. Criteria: Invitae Variant Classification Sherloc (09022015). Collection method: clinical testing. Allele origin: germline.

CeGaT Center for Human Genetics Tuebingen
Classification: Likely benign. Last evaluated: 2024-07-01. Review status: criteria provided, single submitter. Criteria: CeGaT Center For Human Genetics Tuebingen Variant Classification Criteria Version 2. Collection method: clinical testing. Allele origin: germline. Affected: yes. Observed: 1 variant allele.
Comment: CACNA1C: BP4, BP7

Ambry Genetics
Classification: Likely benign for Cardiovascular phenotype. Last evaluated: 2022-03-09. Review status: criteria provided, single submitter. Criteria: Ambry Variant Classification Scheme 2023. Collection method: clinical testing. Allele origin: germline.

NM_000719.7(CACNA1C):c.4131C>T (p.Ile1377=)

Gene: CACNA1C (calcium voltage-gated channel subunit alpha1 C; plus strand). Cytogenetic location: 12p13.33.
Variant type: single nucleotide variant.
Coding change: c.4131C>T on transcript NM_000719.7 (MANE Select); coding-DNA position 4131, C replaced by T.
Protein change: p.Ile1377=; no amino-acid change (isoleucine 1377 retained).
Molecular consequence: synonymous variant.
Genome position (GRCh38, 1-based): chr12:2,653,891, C>T. VCF-style: chr12-2653891-C-T. GRCh37 (hg19) VCF-style: chr12-2763057-C-T.
Other names: c.4275C>T, p.Ile1425= (NM_001129827.2, NM_199460.4); c.4197C>T, p.Ile1399= (NM_001129829.2); c.4131C>T, p.Ile1377= (NM_001129830.3, NM_001129833.2, NM_001129834.2 and 7 more transcripts); c.4215C>T, p.Ile1405= (NM_001129831.2); c.4191C>T, p.Ile1397= (NM_001129832.2); c.4182C>T, p.Ile1394= (NM_001129836.2); c.4098C>T, p.Ile1366= (NM_001129837.2, NM_001129838.2, NM_001129846.2 and 1 more transcripts); c.4092C>T, p.Ile1364= (NM_001129839.2); and 1 more.
Identifiers: ClinVar variation 1538758 (VCV001538758.28), dbSNP rs770774627, ClinGen allele CA6389478.